The following is an entry in ClinVar:

ClinVar aggregate classification (germline): Uncertain significance. Review status: criteria provided, multiple submitters, no conflicts (2 of 4 stars). 2 submissions from 2 submitters: Uncertain significance (2). Last evaluated 2024-10-10.

Conditions:
Inborn genetic diseases. Identifiers: MedGen C0950123, MeSH D030342.

Allele frequency attached by ClinVar (database versions not stated): gnomAD exomes below 0.00001; TOPMed below 0.00001.
gnomAD v4.1: 1 of 1,515,584 alleles (0.000066%); highest among the groups gnomAD compares: Non-Finnish European, 0.000088%; no homozygotes.

Submissions (2):

Labcorp Genetics (formerly Invitae), Labcorp
Classification: Uncertain significance. Last evaluated: 2024-10-10. Review status: criteria provided, single submitter. Criteria: Invitae Variant Classification Sherloc (09022015). Collection method: clinical testing. Allele origin: germline.
Comment: This sequence change replaces glutamic acid, which is acidic and polar, with lysine, which is basic and polar, at codon 64 of the C1QTNF5 protein (p.Glu64Lys). This variant is not present in population databases (gnomAD no frequency). This variant has not been reported in the literature in individuals affected with C1QTNF5-related conditions. An algorithm developed to predict the effect of missense changes on protein structure and function (PolyPhen-2) suggests that this variant is likely to be disruptive. In summary, the available evidence is currently insufficient to determine the role of this variant in disease. Therefore, it has been classified as a Variant of Uncertain Significance.

Ambry Genetics
Classification: Uncertain significance for Inborn genetic diseases. Last evaluated: 2023-10-20. Review status: criteria provided, single submitter. Criteria: Ambry Variant Classification Scheme 2023. Collection method: clinical testing. Allele origin: germline.

NM_001278431.2(C1QTNF5):c.190G>A (p.Glu64Lys)

Genes: C1QTNF5 (C1q and TNF related 5; minus strand), MFRP (membrane frizzled-related protein; minus strand). Cytogenetic location: 11q23.3.
Variant type: single nucleotide variant.
Coding change: c.190G>A on transcript NM_001278431.2 (MANE Select); coding-DNA position 190, G replaced by A.
Protein change: p.Glu64Lys; replaces glutamic acid 64 with lysine.
Molecular consequence: missense variant. On other transcripts: 3 prime UTR variant (1).
Genome position (GRCh38, 1-based): chr11:119,340,208, C>T on the plus strand (G>A on the coding strand, the complement: C1QTNF5 is on the minus strand). VCF-style: chr11-119340208-C-T. GRCh37 (hg19) VCF-style: chr11-119210918-C-T.
Other names: c.190G>A, p.Glu64Lys (NM_015645.5); c.*1086G>A (NM_031433.4); short protein forms E64K.
Identifiers: ClinVar variation 3135793 (VCV003135793.3), dbSNP rs1050632888, ClinGen allele CA229674855.